The following is an entry in ClinVar:

ClinVar aggregate classification (germline): Uncertain significance (1 of 4 stars; one submission).

Conditions:
Hereditary cancer-predisposing syndrome. Also called: Neoplastic Syndromes, Hereditary; Hereditary neoplastic syndrome; Tumor predisposition; Hereditary Cancer Syndrome. Identifiers: Orphanet 140162, MedGen C0027672, MeSH D009386, MONDO:0015356.

Allele frequency attached by ClinVar (database versions not stated): gnomAD exomes below 0.00001; ExAC 0.00001.

Submission:

Ambry Genetics
Classification: Uncertain significance for Hereditary cancer-predisposing syndrome. Last evaluated: 2024-06-03. Review status: criteria provided, single submitter. Criteria: Ambry Variant Classification Scheme 2023. Collection method: clinical testing. Allele origin: germline.
Comment: The c.3086delG variant, located in coding exon 19 of the BRIP1 gene, results from a deletion of one nucleotide at nucleotide position 3086, causing a translational frameshift with a predicted alternate stop codon (p.S1029Mfs*30). This alteration occurs at the 3' terminus of theBRIP1 gene, is not expected to trigger nonsense-mediated mRNAdecay, and only impacts the last 222 amino acids of the protein. The exact functional effect of this alteration is unknown. Based on the available evidence, the clinical significance of this variant remains unclear.

NM_032043.3(BRIP1):c.3086del (p.Ser1029fs)

Gene: BRIP1 (BRCA1 interacting DNA helicase 1; minus strand). Cytogenetic location: 17q23.2.
Variant type: Deletion.
Coding change: c.3086del on transcript NM_032043.3 (MANE Select); coding-DNA position 3086, one base deleted (G; older notation c.3086delG).
Protein change: p.Ser1029fs; shifts the reading frame from serine 1029.
Molecular consequence: frameshift variant.
Genome position (GRCh38, 1-based): chr17:61,683,960, C deleted on the plus strand (G on the coding strand, the reverse complement: BRIP1 is on the minus strand). VCF-style (leftmost placement, unchanged base first): chr17-61683959-AC-A. GRCh37 (hg19) VCF-style: chr17-59761320-AC-A.
Other names: short protein forms S1029fs.
Identifiers: ClinVar variation 2680337 (VCV002680337.2), dbSNP rs773433456, ClinGen allele CA8690398.